The following is an entry in ClinVar:

NM_001367873.1(SOX6):c.26C>T (p.Pro9Leu)

Gene: SOX6 (SRY-box transcription factor 6; minus strand). Cytogenetic location: 11p15.2.
Variant type: single nucleotide variant.
Coding change: c.26C>T on transcript NM_001367873.1 (MANE Select); coding-DNA position 26, C replaced by T.
Protein change: p.Pro9Leu; replaces proline 9 with leucine.
Molecular consequence: missense variant.
Genome position (GRCh38, 1-based): chr11:16,341,223, G>A on the plus strand (C>T on the coding strand, the complement: SOX6 is on the minus strand). VCF-style: chr11-16341223-G-A. GRCh37 (hg19) VCF-style: chr11-16362769-G-A.
Other names: c.26C>T, p.Pro9Leu (NM_001145811.2, NM_001145819.2, NM_001367872.1 and 2 more transcripts); short protein forms P9L.
Identifiers: ClinVar variation 5037305 (VCV005037305.1).

ClinVar aggregate classification (germline): Uncertain significance (1 of 4 stars; one submission).

Submission:

GeneDx
Classification: Uncertain significance. Last evaluated: 2026-04-17. Review status: criteria provided, single submitter. Criteria: GeneDx Variant Classification Process June 2021. Collection method: clinical testing. Allele origin: germline.
Comment: Not observed at significant frequency in large population cohorts (gnomAD); In silico analysis supports that this missense variant has a deleterious effect on protein structure/function; Has not been previously published as pathogenic or benign to our knowledge